The following is an entry in ClinVar:

NM_020822.3(KCNT1):c.3179C>T (p.Ser1060Phe)

Gene: KCNT1 (potassium sodium-activated channel subfamily T member 1; plus strand). Cytogenetic location: 9q34.3.
Variant type: single nucleotide variant.
Coding change: c.3179C>T on transcript NM_020822.3 (MANE Select); coding-DNA position 3179, C replaced by T.
Protein change: p.Ser1060Phe; replaces serine 1060 with phenylalanine.
Molecular consequence: missense variant.
Genome position (GRCh38, 1-based): chr9:135,786,198, C>T. VCF-style: chr9-135786198-C-T. GRCh37 (hg19) VCF-style: chr9-138678044-C-T.
Other names: c.3044C>T, p.Ser1015Phe (NM_001272003.2); short protein forms S1060F, S1015F.
Identifiers: ClinVar variation 1415765 (VCV001415765.8), dbSNP rs758653391, ClinGen allele CA375491412.

ClinVar aggregate classification (germline): Uncertain significance (1 of 4 stars; one submission).

Conditions:
Developmental and epileptic encephalopathy, 14 (DEE14). Also called: Early infantile epileptic encephalopathy 14. Identifiers: Orphanet 293181, MedGen C3554195, MONDO:0013989, OMIM 614959.
Autosomal dominant nocturnal frontal lobe epilepsy 5. Also called: KCNT1-Related Epilepsy; CILIARY DYSKINESIA, PRIMARY, 28, WITH SITUS INVERSUS; Epilepsy, nocturnal frontal lobe, 5; CILIARY DYSKINESIA, PRIMARY, 28, WITHOUT SITUS INVERSUS. Identifiers: Orphanet 98784, MedGen C3554306, MONDO:0014002, OMIM 615005.

Allele frequency attached by ClinVar (database versions not stated): TOPMed below 0.00001.
gnomAD v4.1: 1 of 1,589,186 alleles (0.000063%); highest among the groups gnomAD compares: Non-Finnish European, 0.000086%; no homozygotes.

Submission:

Labcorp Genetics (formerly Invitae), Labcorp
Classification: Uncertain significance for Autosomal dominant nocturnal frontal lobe epilepsy 5; Developmental and epileptic encephalopathy, 14. Last evaluated: 2024-10-22. Review status: criteria provided, single submitter. Criteria: Invitae Variant Classification Sherloc (09022015). Collection method: clinical testing. Allele origin: germline.
Comment: This sequence change replaces serine, which is neutral and polar, with phenylalanine, which is neutral and non-polar, at codon 1060 of the KCNT1 protein (p.Ser1060Phe). This variant is not present in population databases (gnomAD no frequency). This variant has not been reported in the literature in individuals affected with KCNT1-related conditions. ClinVar contains an entry for this variant (Variation ID: 1415765). An algorithm developed to predict the effect of missense changes on protein structure and function (PolyPhen-2) suggests that this variant is likely to be tolerated. In summary, the available evidence is currently insufficient to determine the role of this variant in disease. Therefore, it has been classified as a Variant of Uncertain Significance.